The following is an entry in ClinVar:

ClinVar aggregate classification (germline): Uncertain significance. Review status: reviewed by expert panel (3 of 4 stars). 13 submissions from 11 submitters: Uncertain significance (1). 12 of the submissions do not count toward it. Last evaluated 2025-08-01.

Conditions:
RYR1-related disorder. Also called: RYR1-related disorders; RYR1-related condition. Identifiers: MedGen CN239331.
Malignant hyperthermia of anesthesia. Also called: Anesthesic-triggered malignant hyperthermia. Identifiers: Orphanet 423, MedGen C0024591, MONDO:0018493, HP:0034733.
Congenital multicore myopathy with external ophthalmoplegia (CMYO1B). Also called: MULTICORE MYOPATHY; Minicore myopathy with external ophthalmoplegia; Congenital myopathy 1B, autosomal recessive; Minicore myopathy; MULTIMINICORE DISEASE WITH EXTERNAL OPHTHALMOPLEGIA. Identifiers: Orphanet 598, Orphanet 98905, MedGen C1850674, MONDO:0009712, OMIM 255320, HP:0003789.
Central core myopathy (CMYO1A). Also called: Central core disease; Myopathy, central fibrillar; CONGENITAL MYOPATHY 1A, AUTOSOMAL DOMINANT, WITH SUSCEPTIBILITY TO MALIGNANT HYPERTHERMIA. Identifiers: Orphanet 597, MedGen C5830701, MONDO:0007294, OMIM 117000.
Malignant hyperthermia, susceptibility to, 1 (MHS1). Also called: RYR1-Related Malignant Hyperthermia Susceptibility; Malignant hyperthermia suceptibility 1; Anesthesia related hyperthermia; Malignant hyperpyrexia; Fulminating hyperpyrexia; Pharmacogenic myopathy. Identifiers: Orphanet 423, MedGen C2930980, MONDO:0007783, OMIM 145600.

Allele frequency attached by ClinVar (database versions not stated): ExAC 0.00004; gnomAD 0.00004 and 0.00010; gnomAD exomes 0.00006 and 0.00026; TOPMed 0.00006.
gnomAD v4.1: 382 of 1,613,984 alleles (0.024%); highest among the groups gnomAD compares: East Asian, 0.76%; 1 homozygote.

Submissions 1 to 7 of 13:

ClinGen Malignant Hyperthermia Susceptibility Variant Curation Expert Panel, ClinGen
Classification: Uncertain significance for Malignant hyperthermia of anesthesia. Last evaluated: 2025-08-01. Review status: reviewed by expert panel. Criteria: RYR1-MHS Interpretation Guidelines V2. Collection method: curation. Allele origin: germline. Inheritance: Autosomal dominant inheritance.
Comment: This pathogenicity assessment is relevant only for malignant hyperthermia susceptibility (MHS) inherited in an autosomal dominant pattern. Variants in RYR1 can also cause other myopathies inherited in an autosomal dominant pattern or in an autosomal recessive pattern. Some of these disorders may predispose individuals to malignant hyperthermia. RYR1 variants may also contribute to a malignant hyperthermia reaction in combination with other genetic and non-genetic factors and the clinician needs to consider such factors in making management decisions. This sequence variant predicts a substitution of arginine with glutamine at codon 4645 of the RYR1 protein, p.(Arg4645Gln). The maximum allele frequency for this variant among the six major gnomAD populations is EAS: 0.00038, a frequency consistent with pathogenicity for MHS. This variant has been reported in two unrelated individuals who have a personal or family history of a malignant hyperthermia reaction, neither of these individuals had a positive in vitro contracture test (IVCT) or caffeine halothane contracture test (CHCT) result. Additionally, one of these individuals had a second variant in RYR1, p.(Arg2435His) that is classified as pathogenic, PS4 was not implemented (PMID: 16732084). No functional studies were identified for this variant. This variant resides in a region of RYR1 considered to be a hotspot for pathogenic variants that contribute to MHS, PM1_Sup (PMID: 21118704). A REVEL score of 0.567 supports neither a pathogenic nor a benign status for this variant. This variant has been classified as a Variant of Unknown Significance. Criteria implemented: PM1_Supporting.

Color Diagnostics, LLC DBA Color Health
Classification: Uncertain significance for Malignant hyperthermia, susceptibility to, 1. Last evaluated: 2025-06-04. Review status: criteria provided, single submitter. Criteria: ACMG Guidelines, 2015. Collection method: clinical testing. Allele origin: germline. Not counted in ClinVar's aggregate classification.
Comment: This missense variant replaces arginine with glutamine at codon 4645 of the RYR1 protein. Computational prediction is inconclusive regarding the impact of this variant on protein structure and function. This variant has been reported in individuals who experienced malignant hyperthermia episode, one of whom had another pathogenic variant in the same gene (PMID: 16732084, 38002952). This variant has been identified in 15/251466 chromosomes in the general population by the Genome Aggregation Database (gnomAD). The available evidence is insufficient to determine the role of this variant in disease conclusively. Therefore, this variant is classified as a Variant of Uncertain Significance.

All of Us Research Program, National Institutes of Health
Classification: Uncertain significance for Malignant hyperthermia, susceptibility to, 1. Last evaluated: 2024-01-11. Review status: criteria provided, single submitter. Criteria: ACMG Guidelines, 2015. Collection method: clinical testing. Allele origin: germline. Inheritance: Autosomal dominant inheritance. Observed: 16 variant alleles, 16 heterozygotes. Not counted in ClinVar's aggregate classification.
Comment: This missense variant replaces arginine with glutamine at codon 4645 of the RYR1 protein. Computational prediction is inconclusive regarding the impact of this variant on protein structure and function (internally defined REVEL score threshold 0.5 < inconclusive < 0.7, PMID: 27666373). To our knowledge, functional studies have not been reported for this variant. This variant has been reported in two individuals who experienced malignant hyperthermia episode, one of whom had another pathogenic variant in the same gene (PMID: 16732084). This variant has been identified in 15/251466 chromosomes in the general population by the Genome Aggregation Database (gnomAD). The available evidence is insufficient to determine the role of this variant in disease conclusively. Therefore, this variant is classified as a Variant of Uncertain Significance.

This study involves interpretation of variants in research participants for the purpose of population health screening. Participant phenotype was not available at the time of variant classification. Additional details can be found in publication PMID: 35346344, PMCID: PMC8962531

PreventionGenetics, part of Exact Sciences
Classification: Uncertain significance for RYR1-related condition. Last evaluated: 2023-04-07. Review status: criteria provided, single submitter. Criteria: ACMG Guidelines, 2015. Collection method: clinical testing. Allele origin: germline. Not counted in ClinVar's aggregate classification.
Comment: The RYR1 c.13934G>A variant is predicted to result in the amino acid substitution p.Arg4645Gln. This variant has been reported in individuals with malignant hyperthermia (Table S1, Robinson et al. 2006. PubMed ID: 16917943) and in another individual with suspected neuroleptic malignant syndrome (Sato et al. 2010. PubMed ID: 19931341). It was also reported in the compound heterozygous state with another RYR1 variant in an individual who was a victim of heat stroke who was thought to experience stress induced malignant hyperthermia (Nishio et al. 2009. PubMed ID: 19223216; Carsana et al. 2013. PubMed ID: 23476141). This variant was also reported in study of hypermobility spectrum disorder in ballet professionals (Appendix Table A1, Vera et al. 2020. PubMed ID: 31765226:). This variant has also been found in control populations (Sato et al. 2010. PubMed ID: 19931341) and is reported in 0.038% of alleles in individuals of East Asian descent in gnomAD. Of note, this variant has been reviewed by the ClinGen Malignant Hyperthermia Susceptibility Variant Curation Expert Panel and was determined to be a variant of uncertain significance for malignant hyperthermia susceptibility. At this time, the clinical significance of this variant is uncertain due to the absence of conclusive functional and genetic evidence.

Revvity Omics, Revvity
Classification: Uncertain significance. Last evaluated: 2023-02-23. Review status: criteria provided, single submitter. Criteria: ACMG Guidelines, 2015. Collection method: clinical testing. Allele origin: germline. Not counted in ClinVar's aggregate classification.

Labcorp Genetics (formerly Invitae), Labcorp
Classification: Uncertain significance for RYR1-related disorder. Last evaluated: 2022-10-12. Review status: criteria provided, single submitter. Criteria: Invitae Variant Classification Sherloc (09022015). Collection method: clinical testing. Allele origin: germline. Not counted in ClinVar's aggregate classification.
Comment: This sequence change replaces arginine, which is basic and polar, with glutamine, which is neutral and polar, at codon 4645 of the RYR1 protein (p.Arg4645Gln). This variant is present in population databases (rs193922860, gnomAD 0.04%). This missense change has been observed in individual(s) with neuroleptic malignant syndrome and malignant hyperthermia or suspected malignant hyperthermia (PMID: 16732084, 16917943, 19223216, 19931341). ClinVar contains an entry for this variant (Variation ID: 133053). Advanced modeling of protein sequence and biophysical properties (such as structural, functional, and spatial information, amino acid conservation, physicochemical variation, residue mobility, and thermodynamic stability) performed at Invitae indicates that this missense variant is not expected to disrupt RYR1 protein function. In summary, the available evidence is currently insufficient to determine the role of this variant in disease. Therefore, it has been classified as a Variant of Uncertain Significance.

GeneDx
Classification: Uncertain significance. Last evaluated: 2020-12-30. Review status: criteria provided, single submitter. Criteria: GeneDx Variant Classification Process June 2021. Collection method: clinical testing. Allele origin: germline. Affected: yes. Not counted in ClinVar's aggregate classification.
Comment: Identified as heterozygous in an individual with neuroleptic malignant syndrome, however it was also identified in multiple control samples (Sato et al., 2010); In silico analysis supports that this missense variant does not alter protein structure/function; This variant is associated with the following publications: (PMID: 21918424, 19223216, 16917943, 21878807, 23476141, 19931341, 16732084)

NM_000540.3(RYR1):c.13934G>A (p.Arg4645Gln)

Gene: RYR1 (ryanodine receptor 1; plus strand). Cytogenetic location: 19q13.2.
Variant type: single nucleotide variant.
Coding change: c.13934G>A on transcript NM_000540.3 (MANE Select); coding-DNA position 13934, G replaced by A.
Protein change: p.Arg4645Gln; replaces arginine 4645 with glutamine.
Molecular consequence: missense variant.
Genome position (GRCh38, 1-based): chr19:38,572,206, G>A. VCF-style: chr19-38572206-G-A. GRCh37 (hg19) VCF-style: chr19-39062846-G-A.
Other names: c.13919G>A, p.Arg4640Gln (NM_001042723.2); short protein forms R4645Q, R4640Q.
Identifiers: ClinVar variation 133053 (VCV000133053.23), dbSNP rs193922860, ClinGen allele CA024086.
Genomic context (GRCh38, chr19:38,572,206, plus strand): 5'-ATGAGAACATGGTGTACTACTTCCTGGAGGAAAGCACAGGCTACATGGAACCCGCCCTGC[G>A]GTGTCTGAGCCTCCTGCATACACTGGTGGCCTTTCTCTGCATCATTGGCTATAATTGTCT-3'
Protein context (NP_000531.2, residues 4635-4655): ESTGYMEPAL[Arg4645Gln]CLSLLHTLVA